The following is an entry in ClinVar:

NM_014874.4(MFN2):c.608T>C (p.Ile203Thr)

Gene: MFN2 (mitofusin 2; plus strand). Cytogenetic location: 1p36.22.
Variant type: single nucleotide variant.
Coding change: c.608T>C on transcript NM_014874.4 (MANE Select); coding-DNA position 608, T replaced by C.
Protein change: p.Ile203Thr; replaces isoleucine 203 with threonine.
Molecular consequence: missense variant.
Genome position (GRCh38, 1-based): chr1:11,998,778, T>C. VCF-style: chr1-11998778-T-C. GRCh37 (hg19) VCF-style: chr1-12058835-T-C.
Other names: c.608T>C, p.Ile203Thr (NM_001127660.2); short protein forms I203T.
Identifiers: ClinVar variation 447724 (VCV000447724.7), dbSNP rs200715905, ClinGen allele CA18009181.

ClinVar aggregate classification (germline): Uncertain significance. Review status: criteria provided, multiple submitters, no conflicts (2 of 4 stars). 3 submissions from 3 submitters: Uncertain significance (3). Last evaluated 2026-02-26.

Conditions:
MFN2-related disorder. Also called: MFN2-related disorders; MFN2-related condition.
Charcot-Marie-Tooth disease type 2. Also called: Charcot-Marie-Tooth type 2. Identifiers: Orphanet 64746, MedGen C0270914, MONDO:0018993.

Allele frequency attached by ClinVar (database versions not stated): gnomAD 0.00001; gnomAD exomes 0.00002 and 0.00003; TOPMed 0.00002; ESP Exome Variant Server 0.00015.
gnomAD v4.1: 41 of 1,614,026 alleles (0.0025%); highest among the groups gnomAD compares: Non-Finnish European, 0.0033%; no homozygotes.

Submissions (3):

PreventionGenetics, part of Exact Sciences
Classification: Uncertain significance for MFN2-related condition. Last evaluated: 2026-02-26. Review status: criteria provided, single submitter. Criteria: ACMG Guidelines, 2015. Collection method: clinical testing. Allele origin: germline.
Comment: The MFN2 c.608T>C variant is predicted to result in the amino acid substitution p.Ile203Thr. To our knowledge, this variant has not been reported in the literature. An alternate missense change at the same amino acid position (p.Ile203Met) has been reported in five individuals from one family with Charcot-Marie-Tooth disease (Casasnovas et al. 2010. PubMed ID: 19889647). This variant is reported in 0.0039% of alleles in individuals of European (Non-Finnish) descent in gnomAD. At this time, the clinical significance of this variant is uncertain due to the absence of conclusive functional and genetic evidence.

Labcorp Genetics (formerly Invitae), Labcorp
Classification: Uncertain significance for Charcot-Marie-Tooth disease type 2. Last evaluated: 2021-10-04. Review status: criteria provided, single submitter. Criteria: Invitae Variant Classification Sherloc (09022015). Collection method: clinical testing. Allele origin: germline.
Comment: This sequence change replaces isoleucine with threonine at codon 203 of the MFN2 protein (p.Ile203Thr). The isoleucine residue is highly conserved and there is a moderate physicochemical difference between isoleucine and threonine. This variant is not present in population databases (ExAC no frequency). This variant has not been reported in the literature in individuals affected with MFN2-related conditions. ClinVar contains an entry for this variant (Variation ID: 447724). Algorithms developed to predict the effect of missense changes on protein structure and function are either unavailable or do not agree on the potential impact of this missense change (SIFT: "Deleterious"; PolyPhen-2: "Benign"; Align-GVGD: "Class C25"). In summary, the available evidence is currently insufficient to determine the role of this variant in disease. Therefore, it has been classified as a Variant of Uncertain Significance.

Athena Diagnostics
Classification: Uncertain significance. Last evaluated: 2016-12-16. Review status: criteria provided, single submitter. Criteria: Athena Diagnostics Criteria. Collection method: clinical testing. Allele origin: germline.